The following is an entry in ClinVar:

NM_000256.3(MYBPC3):c.646G>A (p.Ala216Thr)

Gene: MYBPC3 (myosin binding protein C3; minus strand). Cytogenetic location: 11p11.2.
Variant type: single nucleotide variant.
Coding change: c.646G>A on transcript NM_000256.3 (MANE Select); coding-DNA position 646, G replaced by A.
Protein change: p.Ala216Thr; replaces alanine 216 with threonine.
Molecular consequence: missense variant.
Genome position (GRCh38, 1-based): chr11:47,349,782, C>T on the plus strand (G>A on the coding strand, the complement: MYBPC3 is on the minus strand). VCF-style: chr11-47349782-C-T. GRCh37 (hg19) VCF-style: chr11-47371333-C-T.
Other names: p.A216T:GCC>ACC; short protein forms A216T.
Identifiers: ClinVar variation 42779 (VCV000042779.68), dbSNP rs201098973, ClinGen allele CA015602.
Genomic context (GRCh38, chr11:47,349,782, plus strand): 5'-AGGGCTCTCCATGTCCCCTCTCTCCGTGTCTCCACGACCCCGGTGGACCCACCTTGCTGG[C>T]GCGGTCGTAGCTGTCGTGCAGCTGCAGGTGCTGGCCCACCTTGCTGCTCAGGTCCACCCA-3'
Protein context (NP_000247.2, residues 206-226): HLQLHDSYDR[Ala216Thr]SKVYLFELHI

ClinVar aggregate classification (germline): Conflicting classifications of pathogenicity. Review status: criteria provided, conflicting classifications (1 of 4 stars). 19 submissions from 18 submitters: Uncertain significance (1); Benign (1); Likely benign (12). 5 of the submissions do not count toward it. Last evaluated 2026-09-01.

Conditions:
Cardiovascular phenotype. Identifiers: MedGen CN230736.
Left ventricular noncompaction 10 (LVNC10). Identifiers: Orphanet 154, Orphanet 54260, MedGen C3715165, MONDO:0014163, OMIM 615396.
Cardiomyopathy (CMYO). Also called: Cardiomyopathies. Identifiers: Orphanet 167848, MedGen C0878544, MONDO:0004994, HP:0001638. Inheritance: Various modes of inheritance.
Primary familial hypertrophic cardiomyopathy (HCM). Identifiers: Orphanet 99739, MedGen C0949658, MeSH D024741, MONDO:0024573. Inheritance: Various modes of inheritance.
Hypertrophic cardiomyopathy 4. Also called: Familial hypertrophic cardiomyopathy 4. Identifiers: MedGen C1861862, MONDO:0007268, OMIM 115197.
Hypertrophic cardiomyopathy. Also called: HYPERTROPHIC MYOCARDIOPATHY. Identifiers: Orphanet 217569, MedGen C0007194, MeSH D002312, MONDO:0005045, HP:0001639.

Allele frequency attached by ClinVar (database versions not stated): 1000 Genomes Project 0.00100; 1000 Genomes Project 30x 0.00141; gnomAD 0.00076; ExAC 0.00037; TOPMed 0.00080; ESP Exome Variant Server 0.00056.
gnomAD v4.1: 409 of 1,605,254 alleles (0.025%); highest among the groups gnomAD compares: Middle Eastern, 0.24%; 3 homozygotes.

Submissions (19):

CeGaT Center for Human Genetics Tuebingen
Classification: Likely benign. Last evaluated: 2026-09-01. Review status: criteria provided, single submitter. Criteria: CeGaT Center For Human Genetics Tuebingen Variant Classification Criteria Version 2. Collection method: clinical testing. Allele origin: germline. Affected: yes. Observed: 2 variant alleles.
Comment: MYBPC3: BP4

Labcorp Genetics (formerly Invitae), Labcorp
Classification: Likely benign for Hypertrophic cardiomyopathy. Last evaluated: 2026-02-02. Review status: criteria provided, single submitter. Criteria: Invitae Variant Classification Sherloc (09022015). Collection method: clinical testing. Allele origin: germline.

Women's Health and Genetics/Laboratory Corporation of America, LabCorp
Classification: Likely benign. Last evaluated: 2025-08-29. Review status: criteria provided, single submitter. Criteria: LabCorp Variant Classification Summary - May 2015. Collection method: clinical testing. Allele origin: germline.
Comment: Variant summary: MYBPC3 c.646G>A (p.Ala216Thr) results in a non-conservative amino acid change located in the Immunoglobulin subtype domain (IPR003599) of the encoded protein sequence. Algorithms developed to predict the effect of missense changes on protein structure and function are either unavailable or do not agree on the potential impact of this missense change. The variant allele was found at a frequency of 0.00037 in 240462 control chromosomes, predominantly at a frequency of 0.0027 within the African or African-American subpopulation in the gnomAD database. The observed variant frequency within African or African-American control individuals in the gnomAD database exceeds the estimated maximal expected allele frequency for disease-causing variants in MYBPC3. c.646G>A has been observed in several individual(s) affected with Cardiomyopathy (example, Bick_2012, Coto_2012, Gomez_2014, Gomez_2017, Rodriguez-Garcia_2010), without strong evidence for causality. These report(s) do not provide unequivocal conclusions about association of the variant with Cardiomyopathy. At least one publication reports experimental evidence evaluating an impact on protein function. The most pronounced variant effect results in slightly increased ventricular size in zebrafish embryos and slightly reduced actin binding in vitro (example, Daas_2018). The following publications have been ascertained in the context of this evaluation (PMID: 22958901, 22765922, 28807990, 18409188, 25342278, 20530761, 23233322, 23782526, 24503780, 20433692, 28356264, 30446606). ClinVar contains an entry for this variant (Variation ID: 42779). Based on the evidence outlined above, the variant was classified as likely benign.

Molecular Diagnostic Laboratory for Inherited Cardiovascular Disease, Montreal Heart Institute
Classification: Likely benign. Last evaluated: 2025-04-08. Review status: criteria provided, single submitter. Criteria: ACMG Guidelines, 2015. Collection method: clinical testing. Allele origin: germline. Affected: no.

GeneDx
Classification: Likely benign. Last evaluated: 2025-02-11. Review status: criteria provided, single submitter. Criteria: GeneDx Variant Classification Process June 2021. Collection method: clinical testing. Allele origin: germline. Affected: yes.
Comment: See Variant Classification Assertion Criteria.

Mayo Clinic Laboratories, Mayo Clinic
Classification: Likely benign. Last evaluated: 2025-01-29. Review status: criteria provided, single submitter. Criteria: ACMG Guidelines, 2015. Collection method: clinical testing. Allele origin: germline. Observed: 5 variant alleles.
Comment: BS1

Blueprint Genetics
Classification: Likely benign. Last evaluated: 2024-09-16. Review status: criteria provided, single submitter. Criteria: ACMG Guidelines, 2015. Collection method: clinical testing. Allele origin: germline.

Color Diagnostics, LLC DBA Color Health
Classification: Likely benign for Cardiomyopathy. Last evaluated: 2024-08-30. Review status: criteria provided, single submitter. Criteria: ACMG Guidelines, 2015. Collection method: clinical testing. Allele origin: germline.

CHEO Genetics Diagnostic Laboratory, Children's Hospital of Eastern Ontario
Classification: Benign for Cardiomyopathy. Last evaluated: 2023-06-02. Review status: criteria provided, single submitter. Criteria: ACMG Guidelines, 2015. Collection method: clinical testing. Allele origin: germline.

Illumina Laboratory Services, Illumina
Classification: Likely benign for Hypertrophic cardiomyopathy 4. Last evaluated: 2019-08-14. Review status: criteria provided, single submitter. Criteria: ICSL Variant Classification Criteria 13 December 2019. Collection method: clinical testing. Allele origin: germline.
Comment: This variant was observed as part of a predisposition screen in an ostensibly healthy population. A literature search was performed for the gene, cDNA change, and amino acid change (where applicable). Publications were found based on this search. The evidence from the literature, in combination with allele frequency data from public databases where available, was sufficient to determine this variant is unlikely to cause disease. Therefore, this variant is classified as likely benign.

Illumina Laboratory Services, Illumina
Classification: Likely benign for Left ventricular noncompaction 10. Last evaluated: 2019-08-14. Review status: criteria provided, single submitter. Criteria: ICSL Variant Classification Criteria 13 December 2019. Collection method: clinical testing. Allele origin: germline.
Comment: the same text as in the submission from Illumina Laboratory Services, Illumina above.

Ambry Genetics
Classification: Likely benign for Cardiovascular phenotype. Last evaluated: 2018-08-27. Review status: criteria provided, single submitter. Criteria: Ambry Variant Classification Scheme 2023. Collection method: clinical testing. Allele origin: germline.

Laboratory for Molecular Medicine, Mass General Brigham Personalized Medicine
Classification: Likely benign. Last evaluated: 2016-08-22. Review status: criteria provided, single submitter. Criteria: LMM Criteria. Collection method: clinical testing. Allele origin: germline. Observed: 8 variant alleles.
Comment: proposed classification - variant undergoing re-assessment, contact laboratory

CSER _CC_NCGL, University of Washington
Classification: Uncertain significance for Cardiomyopathy, hypertrophic. Last evaluated: 2014-06-01. Review status: criteria provided, single submitter. Criteria: Amendola et al. (Genome Res. 2015). Collection method: research. Allele origin: germline. Inheritance: Autosomal dominant inheritance. Study: ESP 6500 variant annotation.
Comment: Low GERP score may suggest that this variant may belong in a lower pathogenicity class

Variants classified for the Actionable exomic incidental findings in 6503 participants: challenges of variant classification manuscript

Cohesion Phenomics
Classification: Likely benign for Hypertrophic Cardiomyopathy. Last evaluated: 2022-09-27. Review status: no assertion criteria provided. Criteria: ACMG Guidelines, 2015. Collection method: clinical testing. Allele origin: germline. Affected: yes. Not counted in ClinVar's aggregate classification.

Clinical Genetics, Academic Medical Center
Classification: Likely benign. Review status: no assertion criteria provided. Collection method: clinical testing. Allele origin: germline. Affected: yes. Study: VKGL Data-share Consensus. Not counted in ClinVar's aggregate classification.

Diagnostic Laboratory, Department of Genetics, University Medical Center Groningen
Classification: Likely benign. Review status: no assertion criteria provided. Collection method: clinical testing. Allele origin: germline. Affected: yes. Study: VKGL Data-share Consensus. Not counted in ClinVar's aggregate classification.

Genome Diagnostics Laboratory, University Medical Center Utrecht
Classification: Likely benign. Review status: no assertion criteria provided. Collection method: clinical testing. Allele origin: germline. Affected: yes. Study: VKGL Data-share Consensus. Not counted in ClinVar's aggregate classification.

Joint Genome Diagnostic Labs from Nijmegen and Maastricht, Radboudumc and MUMC+
Classification: Likely benign. Review status: no assertion criteria provided. Collection method: clinical testing. Allele origin: germline. Affected: yes. Study: VKGL Data-share Consensus. Not counted in ClinVar's aggregate classification.

Literature cited by the submitters: PubMed 18409188 (cited by 4 submitters); PubMed 20433692 (cited by 3 submitters); PubMed 20530761 (cited by 3 submitters); PubMed 23233322 (cited by 3 submitters); PubMed 22958901 (cited by Women's Health and Genetics/Laboratory Corporation of America, LabCorp and Illumina Laboratory Services, Illumina); PubMed 23782526 (cited by Women's Health and Genetics/Laboratory Corporation of America, LabCorp); PubMed 24503780 (cited by Women's Health and Genetics/Laboratory Corporation of America, LabCorp); PubMed 25342278 (cited by 3 submitters); PubMed 22765922 (cited by Women's Health and Genetics/Laboratory Corporation of America, LabCorp); PubMed 28807990 (cited by Women's Health and Genetics/Laboratory Corporation of America, LabCorp and Ambry Genetics); PubMed 28356264 (cited by Women's Health and Genetics/Laboratory Corporation of America, LabCorp); PubMed 30446606 (cited by Women's Health and Genetics/Laboratory Corporation of America, LabCorp); PubMed 24055113 (cited by 3 submitters); PubMed 24793961 (cited by Illumina Laboratory Services, Illumina); PubMed 23299917 (cited by Illumina Laboratory Services, Illumina and Ambry Genetics); PubMed 23527136 (cited by Illumina Laboratory Services, Illumina and Laboratory for Molecular Medicine, Mass General Brigham Personalized Medicine); PubMed 20738943 (cited by 3 submitters); PubMed 25637381 (cited by Ambry Genetics and Laboratory for Molecular Medicine, Mass General Brigham Personalized Medicine); PubMed 26654849 (cited by Ambry Genetics); PubMed 21310275 (cited by Laboratory for Molecular Medicine, Mass General Brigham Personalized Medicine).